The following is an entry in ClinVar:

NM_025219.3(DNAJC5):c.87T>C (p.Asp29=)

Gene: DNAJC5 (DnaJ heat shock protein family (Hsp40) member C5; plus strand). Cytogenetic location: 20q13.33.
Variant type: single nucleotide variant.
Coding change: c.87T>C on transcript NM_025219.3 (MANE Select); coding-DNA position 87, T replaced by C.
Protein change: p.Asp29=; no amino-acid change (aspartic acid 29 retained).
Molecular consequence: synonymous variant.
Genome position (GRCh38, 1-based): chr20:63,928,432, T>C. VCF-style: chr20-63928432-T-C. GRCh37 (hg19) VCF-style: chr20-62559785-T-C.
Identifiers: ClinVar variation 508874 (VCV000508874.1), dbSNP rs1555879894, ClinGen allele CA511376075.
Genomic context (GRCh38, chr20:63,928,432, plus strand): 5'-GTCTACCTCTGGGGAGTCATTGTACCACGTCCTTGGGTTGGACAAGAACGCAACCTCAGA[T>C]GACATTAAAAAGTCCTATCGGTAAGTGGACAAGTGTGGCCCCCACATCCCCCCAGGAAGA-3'
Protein context (NP_079495.1, residues 19-39): VLGLDKNATS[Asp29=]DIKKSYRKLA

ClinVar aggregate classification (germline): Likely benign (1 of 4 stars; one submission).

Submission:

GeneDx
Classification: Likely benign. Last evaluated: 2018-03-13. Review status: criteria provided, single submitter. Criteria: GeneDx Variant Classification (06012015). Collection method: clinical testing. Allele origin: germline. Affected: yes.
Comment: This variant is considered likely benign or benign based on one or more of the following criteria: it is a conservative change, it occurs at a poorly conserved position in the protein, it is predicted to be benign by multiple in silico algorithms, and/or has population frequency not consistent with disease.